The following is an entry in ClinVar:

ClinVar aggregate classification (germline): Uncertain significance (1 of 4 stars; one submission).

Conditions:
Hereditary cancer-predisposing syndrome. Also called: Tumor predisposition; Hereditary neoplastic syndrome; Neoplastic Syndromes, Hereditary; Hereditary Cancer Syndrome. Identifiers: Orphanet 140162, MedGen C0027672, MeSH D009386, MONDO:0015356.

gnomAD v4.1: 1 of 1,613,896 alleles (0.000062%); highest among the groups gnomAD compares: Non-Finnish European, 0.000085%; no homozygotes.

Submission:

Ambry Genetics
Classification: Uncertain significance for Hereditary cancer-predisposing syndrome. Last evaluated: 2025-06-06. Review status: criteria provided, single submitter. Criteria: Ambry Variant Classification Scheme 2023. Collection method: clinical testing. Allele origin: germline.
Comment: The p.V709F variant (also known as c.2125G>T), located in coding exon 8 of the BLM gene, results from a G to T substitution at nucleotide position 2125. The valine at codon 709 is replaced by phenylalanine, an amino acid with highly similar properties. This amino acid position is conserved. In addition, this alteration is predicted to be tolerated by in silico analysis. Based on the available evidence, the clinical significance of this variant remains unclear.

NM_000057.4(BLM):c.2125G>T (p.Val709Phe)

Gene: BLM (BLM RecQ like helicase; plus strand). Cytogenetic location: 15q26.1.
Variant type: single nucleotide variant.
Coding change: c.2125G>T on transcript NM_000057.4 (MANE Select); coding-DNA position 2125, G replaced by T.
Protein change: p.Val709Phe; replaces valine 709 with phenylalanine.
Molecular consequence: missense variant.
Genome position (GRCh38, 1-based): chr15:90,765,346, G>T. VCF-style: chr15-90765346-G-T. GRCh37 (hg19) VCF-style: chr15-91308576-G-T.
Other names: c.2125G>T, p.Val709Phe (NM_001287246.2, NM_001287247.2); c.1000G>T, p.Val334Phe (NM_001287248.2); short protein forms V334F, V709F.
Identifiers: ClinVar variation 3991691 (VCV003991691.1).